The following is an entry in ClinVar:

NM_002661.5(PLCG2):c.2228A>G (p.Tyr743Cys)

Gene: PLCG2 (phospholipase C gamma 2; plus strand). Cytogenetic location: 16q23.3.
Variant type: single nucleotide variant.
Coding change: c.2228A>G on transcript NM_002661.5 (MANE Select); coding-DNA position 2228, A replaced by G.
Protein change: p.Tyr743Cys; replaces tyrosine 743 with cysteine.
Molecular consequence: missense variant.
Genome position (GRCh38, 1-based): chr16:81,919,657, A>G. VCF-style: chr16-81919657-A-G. GRCh37 (hg19) VCF-style: chr16-81953262-A-G.
Other names: short protein forms Y743C.
Identifiers: ClinVar variation 938556 (VCV000938556.9), dbSNP rs752539679, ClinGen allele CA8194125.
Genomic context (GRCh38, chr16:81,919,657, plus strand): 5'-ATTCACTCTACCGAAAGATGAGACTGCGCTACCCCGTGACCCCCGAGCTCCTGGAGCGCT[A>G]CAATATGGTAGGTGGTGGACTCCCTTGTGATTTGGTGGGATTTCTTGTCTGAGGTTGTAA-3'
Protein context (NP_002652.2, residues 733-753): YPVTPELLER[Tyr743Cys]NMERDINSLY

ClinVar aggregate classification (germline): Uncertain significance (1 of 4 stars; one submission).

Conditions:
Familial cold autoinflammatory syndrome 3 (FCAS3). Also called: ANTIBODY DEFICIENCY AND IMMUNE DYSREGULATION, PLCG2-ASSOCIATED; FAMILIAL ATYPICAL COLD URTICARIA. Identifiers: Orphanet 300359, MedGen C3280914, MONDO:0013766, OMIM 614468.

Allele frequency attached by ClinVar (database versions not stated): gnomAD exomes below 0.00001; ExAC 0.00001.
gnomAD v4.1: 1 of 1,612,652 alleles (0.000062%); highest among the groups gnomAD compares: South Asian, 0.0011%; no homozygotes.

Submission:

Labcorp Genetics (formerly Invitae), Labcorp
Classification: Uncertain significance for Familial cold autoinflammatory syndrome 3. Last evaluated: 2019-05-31. Review status: criteria provided, single submitter. Criteria: Invitae Variant Classification Sherloc (09022015). Collection method: clinical testing. Allele origin: germline.
Comment: In summary, the available evidence is currently insufficient to determine the role of this variant in disease. Therefore, it has been classified as a Variant of Uncertain Significance. Algorithms developed to predict the effect of missense changes on protein structure and function are either unavailable or do not agree on the potential impact of this missense change (SIFT: "Tolerated"; PolyPhen-2: "Probably Damaging"; Align-GVGD: "Class C25"). This variant has not been reported in the literature in individuals with PLCG2-related conditions. This variant is present in population databases (rs752539679, ExAC 0.006%). This sequence change replaces tyrosine with cysteine at codon 743 of the PLCG2 protein (p.Tyr743Cys). The tyrosine residue is moderately conserved and there is a large physicochemical difference between tyrosine and cysteine.